The following is an entry in ClinVar:

ClinVar aggregate classification (germline): Uncertain significance (1 of 4 stars; one submission).

Conditions:
TERC-related disorder. Also called: TERC-related condition.

Allele frequency attached by ClinVar (database versions not stated): gnomAD exomes 0.00002; TOPMed 0.00002; gnomAD 0.00002.

Submission:

PreventionGenetics, part of Exact Sciences
Classification: Uncertain significance for TERC-related condition. Last evaluated: 2022-09-30. Review status: criteria provided, single submitter. Criteria: ACMG Guidelines, 2015. Collection method: clinical testing. Allele origin: germline.
Comment: The TERC n.-233C>T variant is predicted to interfere with splicing. This variant occurs upstream of the TERC gene. To our knowledge, this variant has not been reported in the literature. However, single nucleotide variants in TERC promoter elements have been previously associated with disease (Keith et al. 2004. PubMed ID: 15212690; Aalbers et al. 2012. PubMed ID: 22323451). This variant has not been reported in a large population database, indicating this variant is rare. At this time, the clinical significance of this variant is uncertain due to the absence of conclusive functional and genetic evidence.

NR_001566.1(TERC):n.-233C>T

Genes: TERC (telomerase RNA component; minus strand), LOC110806306 (telomerase RNA component (TERC) promoter; plus strand). Cytogenetic location: 3q26.2.
Variant type: single nucleotide variant.
Genome position: GRCh38 VCF-style: chr3-169765293-G-A. GRCh37 (hg19) VCF-style: chr3-169483081-G-A.
Identifiers: ClinVar variation 2628804 (VCV002628804.1), dbSNP rs889076835, ClinGen allele CA87625098.